The following is an entry in ClinVar:

ClinVar aggregate classification (germline): Uncertain significance (1 of 4 stars; one submission).

Submission:

Labcorp Genetics (formerly Invitae), Labcorp
Classification: Uncertain significance. Last evaluated: 2024-08-27. Review status: criteria provided, single submitter. Criteria: Invitae Variant Classification Sherloc (09022015). Collection method: clinical testing. Allele origin: germline.
Comment: This sequence change replaces glycine, which is neutral and non-polar, with arginine, which is basic and polar, at codon 1361 of the DCHS1 protein (p.Gly1361Arg). This variant is not present in population databases (gnomAD no frequency). This variant has not been reported in the literature in individuals affected with DCHS1-related conditions. Invitae Evidence Modeling of protein sequence and biophysical properties (such as structural, functional, and spatial information, amino acid conservation, physicochemical variation, residue mobility, and thermodynamic stability) indicates that this missense variant is not expected to disrupt DCHS1 protein function with a negative predictive value of 80%. In summary, the available evidence is currently insufficient to determine the role of this variant in disease. Therefore, it has been classified as a Variant of Uncertain Significance.

NM_003737.4(DCHS1):c.4081G>C (p.Gly1361Arg)

Gene: DCHS1 (dachsous cadherin-related 1; minus strand). Cytogenetic location: 11p15.4.
Variant type: single nucleotide variant.
Coding change: c.4081G>C on transcript NM_003737.4 (MANE Select); coding-DNA position 4081, G replaced by C.
Protein change: p.Gly1361Arg; replaces glycine 1361 with arginine.
Molecular consequence: missense variant.
Genome position (GRCh38, 1-based): chr11:6,630,713, C>G on the plus strand (G>C on the coding strand, the complement: DCHS1 is on the minus strand). VCF-style: chr11-6630713-C-G. GRCh37 (hg19) VCF-style: chr11-6651944-C-G.
Other names: short protein forms G1361R.
Identifiers: ClinVar variation 3663448 (VCV003663448.2).